The following is an entry in ClinVar:

NC_000016.10:g.56989205C>T

Gene: NLRC5 (NLR family CARD domain containing 5; plus strand). Cytogenetic location: 16q13.
Variant type: single nucleotide variant.
Genome position: GRCh38 VCF-style: chr16-56989205-C-T. GRCh37 (hg19) VCF-style: chr16-57023117-C-T.
Identifiers: ClinVar variation 102976 (VCV000102976.3), dbSNP rs199475962, ClinGen allele CA229942.

ClinVar aggregate classification (germline): not provided (0 of 4 stars; one submission).

Submission:

Human Evolutionary Genetics, Institut Pasteur
No classification provided. Review status: no classification provided. Collection method: not provided. Allele origin: germline.
ClinVar note: Converted during submission from untested to not provided.